The following is an entry in ClinVar:

NM_015015.3(KDM4B):c.2954T>C (p.Leu985Pro)

Gene: KDM4B (lysine demethylase 4B; plus strand). Cytogenetic location: 19p13.3.
Variant type: single nucleotide variant.
Coding change: c.2954T>C on transcript NM_015015.3 (MANE Select); coding-DNA position 2954, T replaced by C.
Protein change: p.Leu985Pro; replaces leucine 985 with proline.
Molecular consequence: missense variant.
Genome position (GRCh38, 1-based): chr19:5,144,835, T>C. VCF-style: chr19-5144835-T-C. GRCh37 (hg19) VCF-style: chr19-5144846-T-C.
Other names: c.3056T>C, p.Leu1019Pro (NM_001411148.1); short protein forms L1019P, L985P.
Identifiers: ClinVar variation 3900791 (VCV003900791.1).

ClinVar aggregate classification (germline): Likely pathogenic (1 of 4 stars; one submission).

Submission:

GeneDx
Classification: Likely pathogenic. Last evaluated: 2024-12-02. Review status: criteria provided, single submitter. Criteria: GeneDx Variant Classification Process June 2021. Collection method: clinical testing. Allele origin: germline. Affected: yes.
Comment: Not observed at significant frequency in large population cohorts (gnomAD); In silico analysis supports that this missense variant has a deleterious effect on protein structure/function; Has not been previously published as pathogenic or benign to our knowledge